The following is an entry in ClinVar:

ClinVar aggregate classification (germline): Uncertain significance (1 of 4 stars; one submission).

gnomAD v4.1: 2 of 1,613,408 alleles (0.00012%); highest among the groups gnomAD compares: African/African-American, 0.0013%; no homozygotes.

Submission:

Ambry Genetics
Classification: Uncertain significance. Last evaluated: 2025-12-16. Review status: criteria provided, single submitter. Criteria: Ambry Variant Classification Scheme 2023. Collection method: clinical testing. Allele origin: germline.
Comment: The p.F504L variant (also known as c.1510T>C), located in coding exon 15 of the SLMAP gene, results from a T to C substitution at nucleotide position 1510. The phenylalanine at codon 504 is replaced by leucine, an amino acid with highly similar properties. This amino acid position is conserved. In addition, this alteration is predicted to be tolerated by in silico analysis. Based on the available evidence, the clinical significance of this variant remains unclear.

NM_001377540.1(SLMAP):c.1612T>C (p.Phe538Leu)

Gene: SLMAP (sarcolemma associated protein; plus strand). Cytogenetic location: 3p14.3.
Variant type: single nucleotide variant.
Coding change: c.1612T>C on transcript NM_001377540.1 (MANE Select); coding-DNA position 1612, T replaced by C.
Protein change: p.Phe538Leu; replaces phenylalanine 538 with leucine.
Molecular consequence: missense variant. On other transcripts: intron variant (12).
Genome position (GRCh38, 1-based): chr3:57,907,994, T>C. VCF-style: chr3-57907994-T-C. GRCh37 (hg19) VCF-style: chr3-57893721-T-C.
Other names: c.1561T>C, p.Phe521Leu (NM_001304420.3, NM_001377541.1, NM_001377542.1); c.1447T>C, p.Phe483Leu (NM_001304421.2, NM_001377557.1, NM_001377559.1); c.163T>C, p.Phe55Leu (NM_001304422.3, NM_001311178.2); c.1612T>C, p.Phe538Leu (NM_001377538.1, NM_001377539.1); c.1549T>C, p.Phe517Leu (NM_001377545.1); c.1451-1082T>C (NM_001377921.1, NM_001377562.1); c.1400-1082T>C (NM_001377923.1); c.1337-1082T>C (NM_001377925.1); and 7 more; short protein forms F517L, F504L, F521L, F538L, F483L, F500L, F55L.
Identifiers: ClinVar variation 4841526 (VCV004841526.1).